The following is an entry in ClinVar:

NM_032242.4(PLXNA1):c.5415C>T (p.Asp1805=)

Gene: PLXNA1 (plexin A1; plus strand). Cytogenetic location: 3q21.3.
Variant type: single nucleotide variant.
Coding change: c.5415C>T on transcript NM_032242.4 (MANE Select); coding-DNA position 5415, C replaced by T.
Protein change: p.Asp1805=; no amino-acid change (aspartic acid 1805 retained).
Molecular consequence: synonymous variant.
Genome position (GRCh38, 1-based): chr3:127,032,570, C>T. VCF-style: chr3-127032570-C-T. GRCh37 (hg19) VCF-style: chr3-126751413-C-T.
Other names: c.5415C>T (NM_032242.3).
Identifiers: ClinVar variation 2072330 (VCV002072330.6), dbSNP rs151101470, ClinGen allele CA2594677.

ClinVar aggregate classification (germline): Benign. Review status: criteria provided, single submitter (1 of 4 stars). 2 submissions from 2 submitters: Benign (1). 1 of the submissions does not count toward it. Last evaluated 2022-04-06.

Conditions:
PLXNA1-related disorder. Also called: PLXNA1-related condition.

Allele frequency attached by ClinVar (database versions not stated): gnomAD exomes 0.00005; ExAC 0.00018; 1000 Genomes Project 0.00040; TOPMed 0.00083; 1000 Genomes Project 30x 0.00062; gnomAD 0.00071; ESP Exome Variant Server 0.00077.
gnomAD v4.1: 197 of 1,613,984 alleles (0.012%); highest among the groups gnomAD compares: African/African-American, 0.21%; no homozygotes.

Submissions (2):

Labcorp Genetics (formerly Invitae), Labcorp
Classification: Benign. Last evaluated: 2022-04-06. Review status: criteria provided, single submitter. Criteria: Invitae Variant Classification Sherloc (09022015). Collection method: clinical testing. Allele origin: germline.

PreventionGenetics, part of Exact Sciences
Classification: Likely benign for PLXNA1-related condition. Last evaluated: 2019-04-10. Review status: no assertion criteria provided. Collection method: clinical testing. Allele origin: germline. Not counted in ClinVar's aggregate classification.
Comment: This variant is classified as likely benign based on ACMG/AMP sequence variant interpretation guidelines (Richards et al. 2015 PMID: 25741868, with internal and published modifications).